The following is an entry in ClinVar:

ClinVar aggregate classification (germline): Uncertain significance (1 of 4 stars; one submission).

Submission:

Labcorp Genetics (formerly Invitae), Labcorp
Classification: Uncertain significance. Last evaluated: 2023-07-17. Review status: criteria provided, single submitter. Criteria: Invitae Variant Classification Sherloc (09022015). Collection method: clinical testing. Allele origin: germline.
Comment: In summary, the available evidence is currently insufficient to determine the role of this variant in disease. Therefore, it has been classified as a Variant of Uncertain Significance. An algorithm developed to predict the effect of missense changes on protein structure and function (PolyPhen-2) suggests that this variant is likely to be tolerated. ClinVar contains an entry for this variant (Variation ID: 1353069). This variant has not been reported in the literature in individuals affected with CCDC88A-related conditions. This variant is not present in population databases (gnomAD no frequency). This sequence change replaces aspartic acid, which is acidic and polar, with glycine, which is neutral and non-polar, at codon 352 of the CCDC88A protein (p.Asp352Gly).

NM_001365480.1(CCDC88A):c.1055A>G (p.Asp352Gly)

Gene: CCDC88A (coiled-coil and HOOK domain protein 88A; minus strand). Cytogenetic location: 2p16.1.
Variant type: single nucleotide variant.
Coding change: c.1055A>G on transcript NM_001365480.1 (MANE Select); coding-DNA position 1055, A replaced by G.
Protein change: p.Asp352Gly; replaces aspartic acid 352 with glycine.
Molecular consequence: missense variant.
Genome position (GRCh38, 1-based): chr2:55,344,501, T>C on the plus strand (A>G on the coding strand, the complement: CCDC88A is on the minus strand). VCF-style: chr2-55344501-T-C. GRCh37 (hg19) VCF-style: chr2-55571637-T-C.
Other names: c.1055A>G, p.Asp352Gly (NM_001135597.2, NM_001254943.2, NM_018084.5); short protein forms D352G.
Identifiers: ClinVar variation 1353069 (VCV001353069.6), dbSNP rs2104723598, ClinGen allele CA346906235.